The following is an entry in ClinVar:

NM_017849.4(TMEM127):c.250T>A (p.Cys84Ser)

Gene: TMEM127 (transmembrane protein 127; minus strand). Cytogenetic location: 2q11.2.
Variant type: single nucleotide variant.
Coding change: c.250T>A on transcript NM_017849.4 (MANE Select); coding-DNA position 250, T replaced by A.
Protein change: p.Cys84Ser; replaces cysteine 84 with serine.
Molecular consequence: missense variant. On other transcripts: 5 prime UTR variant (2).
Genome position (GRCh38, 1-based): chr2:96,254,992, A>T on the plus strand (T>A on the coding strand, the complement: TMEM127 is on the minus strand). VCF-style: chr2-96254992-A-T. GRCh37 (hg19) VCF-style: chr2-96920730-A-T.
Other names: c.250T>A, p.Cys84Ser (NM_001193304.3); c.-3T>A (NM_001407282.1, NM_001407283.1); short protein forms C84S.
Identifiers: ClinVar variation 3807745 (VCV003807745.1).
Genomic context (GRCh38, chr2:96,254,992, plus strand): 5'-TGCCCAGGAAACAGAAGGCGGCGATGACCCGCAGGAGCAGCACTGTCTGGGGATTCATGC[A>T]GAAATCTGTAGAGGGAGAACCAAATTTTCACGGCCCCAAGTAACACTTGGTGCAGGAAGT-3'
Protein context (NP_060319.1, residues 74-94): YVHPDLLKDF[Cys84Ser]MNPQTVLLLR

ClinVar aggregate classification (germline): Uncertain significance (1 of 4 stars; one submission).

Conditions:
Hereditary cancer-predisposing syndrome. Also called: Neoplastic Syndromes, Hereditary; Hereditary Cancer Syndrome; Tumor predisposition; Hereditary neoplastic syndrome. Identifiers: Orphanet 140162, MedGen C0027672, MeSH D009386, MONDO:0015356.

Submission:

Ambry Genetics
Classification: Uncertain significance for Hereditary cancer-predisposing syndrome. Last evaluated: 2025-01-14. Review status: criteria provided, single submitter. Criteria: Ambry Variant Classification Scheme 2023. Collection method: clinical testing. Allele origin: germline.
Comment: The p.C84S variant (also known as c.250T>A), located in coding exon 2 of the TMEM127 gene, results from a T to A substitution at nucleotide position 250. The cysteine at codon 84 is replaced by serine, an amino acid with dissimilar properties. This amino acid position is conserved. In addition, this alteration is predicted to be deleterious by in silico analysis. Based on the available evidence, the clinical significance of this variant remains unclear.